The following is an entry in ClinVar:

NM_006231.4(POLE):c.5538G>T (p.Lys1846Asn)

Gene: POLE (DNA polymerase epsilon, catalytic subunit; minus strand). Cytogenetic location: 12q24.33.
Variant type: single nucleotide variant.
Coding change: c.5538G>T on transcript NM_006231.4 (MANE Select); coding-DNA position 5538, G replaced by T.
Protein change: p.Lys1846Asn; replaces lysine 1846 with asparagine.
Molecular consequence: missense variant.
Genome position (GRCh38, 1-based): chr12:132,639,139, C>A on the plus strand (G>T on the coding strand, the complement: POLE is on the minus strand). VCF-style: chr12-132639139-C-A. GRCh37 (hg19) VCF-style: chr12-133215725-C-A.
Other names: short protein forms K1846N.
Identifiers: ClinVar variation 1429263 (VCV001429263.6), dbSNP rs2138508333, ClinGen allele CA387374554.

ClinVar aggregate classification (germline): Uncertain significance (1 of 4 stars; one submission).

Submission:

Labcorp Genetics (formerly Invitae), Labcorp
Classification: Uncertain significance. Last evaluated: 2021-08-02. Review status: criteria provided, single submitter. Criteria: Invitae Variant Classification Sherloc (09022015). Collection method: clinical testing. Allele origin: germline.
Comment: In summary, the available evidence is currently insufficient to determine the role of this variant in disease. Therefore, it has been classified as a Variant of Uncertain Significance. Algorithms developed to predict the effect of missense changes on protein structure and function are either unavailable or do not agree on the potential impact of this missense change (SIFT: "Deleterious"; PolyPhen-2: "Not Available"; Align-GVGD: "Class C0"). This variant has not been reported in the literature in individuals affected with POLE-related conditions. This variant is not present in population databases (ExAC no frequency). This sequence change replaces lysine with asparagine at codon 1846 of the POLE protein (p.Lys1846Asn). The lysine residue is highly conserved and there is a moderate physicochemical difference between lysine and asparagine.